The following is an entry in ClinVar:

NM_014714.4(IFT140):c.3403G>T (p.Glu1135Ter)

Gene: IFT140 (intraflagellar transport 140; minus strand). Cytogenetic location: 16p13.3.
Variant type: single nucleotide variant.
Coding change: c.3403G>T on transcript NM_014714.4 (MANE Select); coding-DNA position 3403, G replaced by T.
Protein change: p.Glu1135Ter; replaces glutamic acid 1135 with a stop codon.
Molecular consequence: nonsense.
Genome position (GRCh38, 1-based): chr16:1,523,568, C>A on the plus strand (G>T on the coding strand, the complement: IFT140 is on the minus strand). VCF-style: chr16-1523568-C-A. GRCh37 (hg19) VCF-style: chr16-1573569-C-A.
Other names: short protein forms E1135*.
Identifiers: ClinVar variation 4992208 (VCV004992208.1).

ClinVar aggregate classification (germline): Pathogenic (1 of 4 stars; one submission).

Conditions:
IFT140-related disorder. Also called: IFT140-related condition.

Submission:

PreventionGenetics, part of Exact Sciences
Classification: Pathogenic for IFT140-related condition. Last evaluated: 2026-01-21. Review status: criteria provided, single submitter. Criteria: ACMG Guidelines, 2015. Collection method: clinical testing. Allele origin: germline.
Comment: The IFT140 c.3403G>T variant is predicted to result in premature protein termination (p.Glu1135*). To our knowledge, this variant has not been reported in the literature or in a large population database (gnomAD), indicating this variant is rare. Nonsense variants in IFT140 are expected to be pathogenic. Since loss-of-function of IFT140 is the disease causing mechanism for both autosomal dominant and recessive IFT140-related disorders, this variant is interpreted as pathogenic for both autosomal dominant and recessive IFT140-related disorders.